The following is an entry in ClinVar:

ClinVar aggregate classification (germline): Uncertain significance. Review status: criteria provided, multiple submitters, no conflicts (2 of 4 stars). 2 submissions from 2 submitters: Uncertain significance (2). Last evaluated 2022-03-03.

Conditions:
Emery-Dreifuss muscular dystrophy 4, autosomal dominant (EDMD4). Also called: EMERY-DREIFUSS MUSCULAR DYSTROPHY 4 WITH VARIABLE FEATURES. Identifiers: Orphanet 261, MedGen C2751807, MONDO:0013071, OMIM 612998.
Autosomal recessive ataxia, Beauce type. Also called: SYNE1-Related Autosomal Recessive Cerebellar Ataxia; Spinocerebellar ataxia, autosomal recessive 8; ATAXIA, RECESSIVE, OF BEAUCE; SYNE1 Deficiency. Identifiers: Orphanet 88644, MedGen C1853116, MONDO:0012549, OMIM 610743.

gnomAD v4.1: 2 of 1,614,180 alleles (0.00012%); highest among the groups gnomAD compares: Non-Finnish European, 0.00017%; no homozygotes.

Submissions (2):

Labcorp Genetics (formerly Invitae), Labcorp
Classification: Uncertain significance for Emery-Dreifuss muscular dystrophy 4, autosomal dominant; Autosomal recessive ataxia, Beauce type. Last evaluated: 2022-03-03. Review status: criteria provided, single submitter. Criteria: Invitae Variant Classification Sherloc (09022015). Collection method: clinical testing. Allele origin: germline.
Comment: ClinVar contains an entry for this variant (Variation ID: 594551). In summary, the available evidence is currently insufficient to determine the role of this variant in disease. Therefore, it has been classified as a Variant of Uncertain Significance. Algorithms developed to predict the effect of missense changes on protein structure and function are either unavailable or do not agree on the potential impact of this missense change (SIFT: "Tolerated"; PolyPhen-2: "Probably Damaging"; Align-GVGD: "Class C0"). This variant has not been reported in the literature in individuals affected with SYNE1-related conditions. This variant is not present in population databases (gnomAD no frequency). This sequence change replaces arginine, which is basic and polar, with proline, which is neutral and non-polar, at codon 5125 of the SYNE1 protein (p.Arg5125Pro).

Eurofins Ntd Llc (ga)
Classification: Uncertain significance. Last evaluated: 2017-10-17. Review status: criteria provided, single submitter. Criteria: EGL Classification Definitions 2015. Collection method: clinical testing. Allele origin: germline. Observed: 1 variant allele, 1 heterozygote.

NM_182961.4(SYNE1):c.15587G>C (p.Arg5196Pro)

Gene: SYNE1 (spectrin repeat containing nuclear envelope protein 1; minus strand). Cytogenetic location: 6q25.2.
Variant type: single nucleotide variant.
Coding change: c.15587G>C on transcript NM_182961.4 (MANE Select); coding-DNA position 15587, G replaced by C.
Protein change: p.Arg5196Pro; replaces arginine 5196 with proline.
Molecular consequence: missense variant.
Genome position (GRCh38, 1-based): chr6:152,325,154, C>G on the plus strand (G>C on the coding strand, the complement: SYNE1 is on the minus strand). VCF-style: chr6-152325154-C-G. GRCh37 (hg19) VCF-style: chr6-152646289-C-G.
Other names: c.15374G>C, p.Arg5125Pro (NM_033071.5); short protein forms R5125P, R5196P.
Identifiers: ClinVar variation 594551 (VCV000594551.12), dbSNP rs752229373, ClinGen allele CA366091054.